The following is an entry in ClinVar:

NM_001035.3(RYR2):c.10043T>G (p.Met3348Arg)

Gene: RYR2 (ryanodine receptor 2; plus strand). Cytogenetic location: 1q43.
Variant type: single nucleotide variant.
Coding change: c.10043T>G on transcript NM_001035.3 (MANE Select); coding-DNA position 10043, T replaced by G.
Protein change: p.Met3348Arg; replaces methionine 3348 with arginine.
Molecular consequence: missense variant.
Genome position (GRCh38, 1-based): chr1:237,708,999, T>G. VCF-style: chr1-237708999-T-G. GRCh37 (hg19) VCF-style: chr1-237872299-T-G.
Other names: p.M3348R:ATG>AGG; p.Met3348Arg; c.10043T>G, p.Met3348Arg (LRG_402t1); short protein forms M3348R.
Identifiers: ClinVar variation 201299 (VCV000201299.5), dbSNP rs794728767, ClinGen allele CA006507.

ClinVar aggregate classification (germline): Uncertain significance. Review status: criteria provided, multiple submitters, no conflicts (2 of 4 stars). 3 submissions from 3 submitters: Uncertain significance (3). Last evaluated 2024-03-27.

Conditions:
Cardiovascular phenotype. Identifiers: MedGen CN230736.

Submissions (3):

Mayo Clinic Laboratories, Mayo Clinic
Classification: Uncertain significance. Last evaluated: 2024-03-27. Review status: criteria provided, single submitter. Criteria: ACMG Guidelines, 2015. Collection method: clinical testing. Allele origin: germline. Observed: 1 variant allele.
Comment: PM2

Ambry Genetics
Classification: Uncertain significance for Cardiovascular phenotype. Last evaluated: 2019-09-18. Review status: criteria provided, single submitter. Criteria: Ambry Variant Classification Scheme 2023. Collection method: clinical testing. Allele origin: germline.
Comment: The p.M3348R variant (also known as c.10043T>G), located in coding exon 69 of the RYR2 gene, results from a T to G substitution at nucleotide position 10043. The methionine at codon 3348 is replaced by arginine, an amino acid with similar properties. This amino acid position is highly conserved in available vertebrate species. In addition, this alteration is predicted to be deleterious by in silico analysis. Since supporting evidence is limited at this time, the clinical significance of this alteration remains unclear.

GeneDx
Classification: Uncertain significance. Last evaluated: 2014-04-04. Review status: criteria provided, single submitter. Criteria: GeneDx Variant Classification (06012015). Collection method: clinical testing. Allele origin: germline. Affected: yes.
Comment: p.Met3348Arg (ATG>AGG): c.10043 T>G in exon 69 of the RYR2 gene (NM_001035.2). The M3348R variant has not been published as a mutation, nor has it been reported as a benign polymorphism to our knowledge. The M3348R variant was not observed in approximately 6,000 individuals of European and African American ancestry in the NHLBI Exome Sequencing Project, indicating it is not a common benign variant in these populations. The M3348R variant is a non-conservative amino acid substitution, which is likely to impact secondary protein structure as these residues differ in polarity, charge, size and/or other properties. This substitution occurs at a position that is conserved in mammals. In silico analysis predicts this variant is probably damaging to the protein structure/function. Nevertheless, no missense mutations in nearby residues have been reported in association with disease, suggesting this region of the protein may be tolerant of change. Therefore, based on the currently available information, it is unclear whether this variant is a pathogenic mutation or a rare benign variant. The variant is found in ARRHYTHMIA panel(s).